The following is an entry in ClinVar:

ClinVar aggregate classification (germline): Uncertain significance. Review status: criteria provided, multiple submitters, no conflicts (2 of 4 stars). 2 submissions from 2 submitters: Uncertain significance (2). Last evaluated 2026-04-30.

Conditions:
Cardiovascular phenotype. Identifiers: MedGen CN230736.

Submissions (2):

Ambry Genetics
Classification: Uncertain significance for Cardiovascular phenotype. Last evaluated: 2026-04-30. Review status: criteria provided, single submitter. Criteria: Ambry Variant Classification Scheme 2023. Collection method: clinical testing. Allele origin: germline.
Comment: The c.1831_1839delGAGGCTGAC variant (also known as p.E611_D613del) is located in coding exon 19 of the MYBPC3 gene. This variant results from an in-frame GAGGCTGAC deletion at nucleotide positions 1831 to 1839. This results in the in-frame deletion of 3 residues at codon 611. This amino acid region ranges from highly conserved to well conserved in available vertebrate species. In addition, this variant is predicted to be deleterious by in silico analysis (Choi Y et al. PLoS ONE. 2012; 7(10):e46688). Based on the available evidence, the clinical significance of this variant remains unclear.

Molecular Diagnostic Laboratory for Inherited Cardiovascular Disease, Montreal Heart Institute
Classification: Uncertain significance for Cardiovascular phenotype. Last evaluated: 2025-04-09. Review status: criteria provided, single submitter. Criteria: ACMG Guidelines, 2015. Collection method: clinical testing. Allele origin: germline. Affected: yes.
Comment: PM2, PM4

NM_000256.3(MYBPC3):c.1831_1839del (p.Glu611_Asp613del)

Gene: MYBPC3 (myosin binding protein C3; minus strand). Cytogenetic location: 11p11.2.
Variant type: Deletion.
Coding change: c.1831_1839del on transcript NM_000256.3 (MANE Select); coding-DNA positions 1831 to 1839, 9 bases deleted (GAGGCTGAC; older notation c.1831_1839delGAGGCTGAC).
Protein change: p.Glu611_Asp613del.
Genome position (GRCh38, 1-based): chr11:47,341,196-47,341,204, GTCAGCCTC deleted on the plus strand (GAGGCTGAC on the coding strand, the reverse complement: MYBPC3 is on the minus strand); deleting any 9 consecutive bases within chr11:47,341,196-47,341,207 gives the same sequence; the c. name uses the placement nearest the transcript's 3' end. VCF-style (leftmost placement, unchanged base first): chr11-47341195-AGTCAGCCTC-A. GRCh37 (hg19) VCF-style: chr11-47362746-AGTCAGCCTC-A.
Other names: c.1831_1839delGAGGCTGAC (NM_000256.3).
Identifiers: ClinVar variation 3895169 (VCV003895169.2).